The following is an entry in ClinVar:

ClinVar aggregate classification (germline): Pathogenic (1 of 4 stars; one submission).

Conditions:
Joubert syndrome 21 (JBTS21). Identifiers: MedGen C3810212, MONDO:0014288, OMIM 615636.

Submission:

Labcorp Genetics (formerly Invitae), Labcorp
Classification: Pathogenic for Joubert syndrome 21. Last evaluated: 2025-09-17. Review status: criteria provided, single submitter. Criteria: Invitae Variant Classification Sherloc (09022015). Collection method: clinical testing. Allele origin: germline.
Comment: This sequence change creates a premature translational stop signal (p.Glu213delinsIle*) in the CSPP1 gene. It is expected to result in an absent or disrupted protein product. Loss-of-function variants in CSPP1 are known to be pathogenic (PMID: 24360807, 24360808). This variant is not present in population databases (gnomAD no frequency). This variant has not been reported in the literature in individuals affected with CSPP1-related conditions. For these reasons, this variant has been classified as Pathogenic.

Literature cited by the submitters: PubMed 24360807; PubMed 24360808.

NM_001382391.1(CSPP1):c.606_609dup (p.Glu204delinsIleTer)

Gene: CSPP1 (centrosome and spindle pole associated protein 1; plus strand). Cytogenetic location: 8q13.1.
Variant type: Microsatellite.
Coding change: c.606_609dup on transcript NM_001382391.1 (MANE Select); coding-DNA positions 606 to 609, 4 bases duplicated (ATAT; older notation c.606_609dupATAT).
Protein change: p.Glu204delinsIleTer.
Molecular consequence: nonsense. On other transcripts: 5 prime UTR variant (1).
Genome position (GRCh38, 1-based): chr8:67,095,415-67,095,418, ATAT duplicated. VCF-style (leftmost placement, unchanged base first): chr8-67095414-C-CATAT. GRCh37 (hg19) VCF-style: chr8-68007649-C-CATAT.
Other names: c.-250AT[4] (NM_001291339.2); c.525_528dup, p.Glu177delinsIleTer (NM_001363131.2, NM_001363133.2); c.606_609dup, p.Glu204delinsIleTer (NM_001363132.2); c.714_717dup, p.Glu240delinsIleTer (NM_001364869.1); c.633_636dup, p.Glu213delinsIleTer (NM_001364870.1, NM_001438330.1, NM_001438331.1 and 2 more transcripts).
Identifiers: ClinVar variation 4727004 (VCV004727004.1).